The following is an entry in ClinVar:

ClinVar aggregate classification (germline): Conflicting classifications of pathogenicity. Review status: criteria provided, conflicting classifications (1 of 4 stars). 4 submissions from 4 submitters: Uncertain significance (1); Likely benign (2). 1 of the submissions does not count toward it. Last evaluated 2026-01-18.

Conditions:
SUN1-related disorder. Also called: SUN1-related condition.
Emery-Dreifuss muscular dystrophy (EDMD). Also called: Scapuloperoneal syndrome, X-linked (formerly); Humeroperoneal neuromuscular disease, (formerly). Identifiers: Orphanet 261, MedGen C0410189, MONDO:0016830.

Allele frequency attached by ClinVar (database versions not stated): 1000 Genomes Project 30x 0.00016; 1000 Genomes Project 0.00020; ESP Exome Variant Server 0.00047; TOPMed 0.00061; gnomAD 0.00074 and 0.00076; gnomAD exomes 0.00081 and 0.00084; ExAC 0.00106.
gnomAD v4.1: 1,289 of 1,612,934 alleles (0.08%); highest among the groups gnomAD compares: Non-Finnish European, 0.093%; 3 homozygotes.

Submissions (4):

Labcorp Genetics (formerly Invitae), Labcorp
Classification: Likely benign for Emery-Dreifuss muscular dystrophy. Last evaluated: 2026-01-18. Review status: criteria provided, single submitter. Criteria: Invitae Variant Classification Sherloc (09022015). Collection method: clinical testing. Allele origin: germline.

Mayo Clinic Laboratories, Mayo Clinic
Classification: Likely benign. Last evaluated: 2025-09-11. Review status: criteria provided, single submitter. Criteria: ACMG Guidelines, 2015. Collection method: clinical testing. Allele origin: germline. Observed: 1 variant allele.

Ambry Genetics
Classification: Uncertain significance. Last evaluated: 2025-02-20. Review status: criteria provided, single submitter. Criteria: Ambry Variant Classification Scheme 2023. Collection method: clinical testing. Allele origin: germline.

PreventionGenetics, part of Exact Sciences
Classification: Likely benign for SUN1-related condition. Last evaluated: 2022-02-09. Review status: no assertion criteria provided. Collection method: clinical testing. Allele origin: germline. Not counted in ClinVar's aggregate classification.
Comment: This variant is classified as likely benign based on ACMG/AMP sequence variant interpretation guidelines (Richards et al. 2015 PMID: 25741868, with internal and published modifications).

NM_001130965.3(SUN1):c.2143G>A (p.Val715Ile)

Gene: SUN1 (Sad1 and UNC84 domain containing 1; plus strand). Cytogenetic location: 7p22.3.
Variant type: single nucleotide variant.
Coding change: c.2143G>A on transcript NM_001130965.3 (MANE Select); coding-DNA position 2143, G replaced by A.
Protein change: p.Val715Ile; replaces valine 715 with isoleucine.
Molecular consequence: missense variant. On other transcripts: non-coding transcript variant (3).
Genome position (GRCh38, 1-based): chr7:869,511, G>A. VCF-style: chr7-869511-G-A. GRCh37 (hg19) VCF-style: chr7-909148-G-A.
Other names: p.Val715Ile; c.1834G>A, p.Val612Ile (NM_001171944.2); c.2143G>A, p.Val715Ile (NM_001367633.1, NM_001367634.1, NM_001367653.1); c.1792G>A, p.Val598Ile (NM_001367635.1); c.2383G>A, p.Val795Ile (NM_001367636.1, NM_001367691.1); c.2251G>A, p.Val751Ile (NM_001367638.1); c.1684G>A, p.Val562Ile (NM_001367639.1); c.2323G>A, p.Val775Ile (NM_001367640.1); and 44 more; short protein forms V715I, V612I, V669I, V682I, V689I, V730I, V731I, V741I.
Identifiers: ClinVar variation 461649 (VCV000461649.18), dbSNP rs200907784, ClinGen allele CA4112491.